The following is an entry in ClinVar:

NM_019888.3(MC3R):c.378C>T (p.Ile126=)

Gene: MC3R (melanocortin 3 receptor; plus strand). Cytogenetic location: 20q13.2.
Variant type: single nucleotide variant.
Coding change: c.378C>T on transcript NM_019888.3 (MANE Select); coding-DNA position 378, C replaced by T.
Protein change: p.Ile126=; no amino-acid change (isoleucine 126 retained).
Molecular consequence: synonymous variant.
Genome position (GRCh38, 1-based): chr20:56,249,221, C>T. VCF-style: chr20-56249221-C-T. GRCh37 (hg19) VCF-style: chr20-54824277-C-T.
Identifiers: ClinVar variation 3029890 (VCV003029890.2), dbSNP rs371328790, ClinGen allele CA9916987.

ClinVar aggregate classification (germline): Likely benign (0 of 4 stars; one submission).

Conditions:
MC3R-related disorder. Also called: MC3R-related condition.

Allele frequency attached by ClinVar (database versions not stated): ESP Exome Variant Server 0.00008.

Submission:

PreventionGenetics, part of Exact Sciences
Classification: Likely benign for MC3R-related condition. Last evaluated: 2021-04-15. Review status: no assertion criteria provided. Collection method: clinical testing. Allele origin: germline.
Comment: This variant is classified as likely benign based on ACMG/AMP sequence variant interpretation guidelines (Richards et al. 2015 PMID: 25741868, with internal and published modifications).